The following is an entry in ClinVar:

NM_144999.4(LRRC45):c.520C>A (p.Leu174Ile)

Gene: LRRC45 (leucine rich repeat containing 45; plus strand). Cytogenetic location: 17q25.3.
Variant type: single nucleotide variant.
Coding change: c.520C>A on transcript NM_144999.4 (MANE Select); coding-DNA position 520, C replaced by A.
Protein change: p.Leu174Ile; replaces leucine 174 with isoleucine.
Molecular consequence: missense variant.
Genome position (GRCh38, 1-based): chr17:82,025,166, C>A. VCF-style: chr17-82025166-C-A. GRCh37 (hg19) VCF-style: chr17-79983042-C-A.
Other names: c.520C>A (NM_144999.3); short protein forms L174I.
Identifiers: ClinVar variation 3868525 (VCV003868525.2).

ClinVar aggregate classification (germline): Uncertain significance. Review status: criteria provided, multiple submitters, no conflicts (2 of 4 stars). 2 submissions from 2 submitters: Uncertain significance (2). Last evaluated 2025-10-30.

Conditions:
LRRC45-related disorder. Also called: LRRC45-related condition.

gnomAD v4.1: 13 of 1,597,192 alleles (0.00081%); highest among the groups gnomAD compares: Non-Finnish European, 0.001%; no homozygotes.

Submissions (2):

PreventionGenetics, part of Exact Sciences
Classification: Uncertain significance for LRRC45-related condition. Last evaluated: 2025-10-30. Review status: criteria provided, single submitter. Criteria: ACMG Guidelines, 2015. Collection method: clinical testing. Allele origin: germline.
Comment: The LRRC45 c.520C>A variant is predicted to result in the amino acid substitution p.Leu174Ile. To our knowledge, this variant has not been reported in the literature. This variant is reported in 0.0019% of alleles in individuals of European (Non-Finnish) descent in gnomAD. At this time, the clinical significance of this variant is uncertain due to the absence of conclusive functional and genetic evidence.

Ambry Genetics
Classification: Uncertain significance. Last evaluated: 2025-01-10. Review status: criteria provided, single submitter. Criteria: Ambry Variant Classification Scheme 2023. Collection method: clinical testing. Allele origin: germline.